The following is an entry in ClinVar:

NM_001844.5(COL2A1):c.3156dup (p.Gly1053fs)

Gene: COL2A1 (collagen type II alpha 1 chain; minus strand). Cytogenetic location: 12q13.11.
Variant type: Duplication.
Coding change: c.3156dup on transcript NM_001844.5 (MANE Select); coding-DNA position 3156, one base duplicated (T; older notation c.3156dupT).
Protein change: p.Gly1053fs; shifts the reading frame from glycine 1053.
Molecular consequence: frameshift variant.
Genome position (GRCh38, 1-based): chr12:47,977,609, A duplicated on the plus strand (T on the coding strand, the reverse complement: COL2A1 is on the minus strand). VCF-style (leftmost placement, unchanged base first): chr12-47977608-C-CA. GRCh37 (hg19) VCF-style: chr12-48371391-C-CA.
Other names: c.2949dup, p.Gly984fs (NM_033150.3); short protein forms G1053fs, G984fs.
Identifiers: ClinVar variation 373034 (VCV000373034.2), dbSNP rs1057518157, ClinGen allele CA16042898.
Genomic context (GRCh38, chr12:47,977,608, plus strand): 5'-CCGAGGCAATGTCCTCCCCAACCCACTGCACACACAGACACCAGACACTCACCTTGACTC[C>CA]AGCAGCGCCATCTCTGCCAGGGGGGCCATCAGCACCGGGGCTTCCCTGGACAAAGTGAAA-3'

ClinVar aggregate classification (germline): Pathogenic (1 of 4 stars; one submission).

Submission:

GeneDx
Classification: Pathogenic. Last evaluated: 2016-10-17. Review status: criteria provided, single submitter. Criteria: GeneDx Variant Classification (06012015). Collection method: clinical testing. Allele origin: germline. Affected: yes.
Comment: The c.3156dupT pathogenic variant in the COL2A1 gene has not been reported previously as a pathogenic variant nor as a benign variant, to our knowledge. The c.3156dupT variant causes a frameshift starting with codon Glycine 1053, changes this amino acid to a Tryptophan residue, and creates a premature Stop codon at position 5 of the new reading frame, denoted p.Gly1053TrpfsX5. This variant is predicted to cause loss of normal protein function either through protein truncation or nonsense-mediated mRNA decay. The c.3156dupT variant was not observed in approximately 6500 individuals of European and African American ancestry in the NHLBI Exome Sequencing Project, indicating it is not a common benign variant in these populations. We interpret c.3156dupT as a pathogenic variant.